The following is an entry in ClinVar:

ClinVar aggregate classification (germline): Uncertain significance (1 of 4 stars; one submission).

Conditions:
Cardiovascular phenotype. Identifiers: MedGen CN230736.

Submission:

Ambry Genetics
Classification: Uncertain significance for Cardiovascular phenotype. Last evaluated: 2024-11-18. Review status: criteria provided, single submitter. Criteria: Ambry Variant Classification Scheme 2023. Collection method: clinical testing. Allele origin: germline.
Comment: The p.E272Q variant (also known as c.814G>C), located in coding exon 7 of the SPRED1 gene, results from a G to C substitution at nucleotide position 814. The glutamic acid at codon 272 is replaced by glutamine, an amino acid with highly similar properties. This amino acid position is conserved. In addition, this alteration is predicted to be tolerated by in silico analysis. Based on the available evidence, the clinical significance of this variant remains unclear.

NM_152594.3(SPRED1):c.814G>C (p.Glu272Gln)

Gene: SPRED1 (sprouty related EVH1 domain containing 1; plus strand). Cytogenetic location: 15q14.
Variant type: single nucleotide variant.
Coding change: c.814G>C on transcript NM_152594.3 (MANE Select); coding-DNA position 814, G replaced by C.
Protein change: p.Glu272Gln; replaces glutamic acid 272 with glutamine.
Molecular consequence: missense variant.
Genome position (GRCh38, 1-based): chr15:38,351,143, G>C. VCF-style: chr15-38351143-G-C. GRCh37 (hg19) VCF-style: chr15-38643344-G-C.
Other names: short protein forms E272Q.
Identifiers: ClinVar variation 3448787 (VCV003448787.1).